The following is an entry in ClinVar:

ClinVar aggregate classification (germline): Pathogenic. Review status: criteria provided, multiple submitters, no conflicts (2 of 4 stars). 2 submissions from 2 submitters: Pathogenic (2). Last evaluated 2025-03-02.

Conditions:
Hereditary breast ovarian cancer syndrome. Also called: Hereditary breast and/or ovarian cancer syndrome; Hereditary breast and ovarian cancer; BRCA1- and BRCA2-Associated Hereditary Breast and Ovarian Cancer; Hereditary breast and ovarian cancer syndrome; Hereditary breast and ovarian cancer syndrome (HBOC); Breast and ovarian cancer. Identifiers: Orphanet 145, MedGen C0677776, MeSH D061325, MONDO:0003582. Disease mechanism: loss of function.

Submissions (2):

Labcorp Genetics (formerly Invitae), Labcorp
Classification: Pathogenic for Hereditary breast ovarian cancer syndrome. Last evaluated: 2025-03-02. Review status: criteria provided, single submitter. Criteria: Invitae Variant Classification Sherloc (09022015). Collection method: clinical testing. Allele origin: germline.
Comment: This sequence change creates a premature translational stop signal (p.Thr1163Asnfs*2) in the BRCA1 gene. It is expected to result in an absent or disrupted protein product. Loss-of-function variants in BRCA1 are known to be pathogenic (PMID: 20104584). This variant is not present in population databases (gnomAD no frequency). This premature translational stop signal has been observed in individual(s) with ovarian and/or breast cancer (PMID: 30235698). For these reasons, this variant has been classified as Pathogenic.

Women's Health and Genetics/Laboratory Corporation of America, LabCorp
Classification: Pathogenic for Hereditary breast ovarian cancer syndrome. Last evaluated: 2025-02-20. Review status: criteria provided, single submitter. Criteria: LabCorp Variant Classification Summary - May 2015. Collection method: clinical testing. Allele origin: germline.
Comment: Variant summary: BRCA1 c.3487dupA (p.Thr1163AsnfsX2) results in a premature termination codon, predicted to cause a truncation of the encoded protein or absence of the protein due to nonsense mediated decay, which are commonly known mechanisms for disease. The variant was absent in 251266 control chromosomes. c.3487dupA has been reported in the literature in individuals affected with Hereditary Breast And Ovarian Cancer Syndrome (example: Yizhen_2018). These data indicate that the variant may be associated with disease. The following publication has been ascertained in the context of this evaluation (PMID: 30235698). No submitters have cited clinical-significance assessments for this variant to ClinVar. Based on the evidence outlined above, the variant was classified as pathogenic.

Literature cited by the submitters: PubMed 20104584 (cited by Labcorp Genetics (formerly Invitae), Labcorp); PubMed 30235698 (cited by Labcorp Genetics (formerly Invitae), Labcorp and Women's Health and Genetics/Laboratory Corporation of America, LabCorp).

NM_007294.4(BRCA1):c.3487dup (p.Thr1163fs)

Genes: BRCA1 (BRCA1 DNA repair associated; minus strand), LOC126862571 (BRD4-independent group 4 enhancer GRCh37_chr17:41243136-41244335; plus strand). Cytogenetic location: 17q21.31.
Variant type: Duplication.
Coding change: c.3487dup on transcript NM_007294.4 (MANE Select); coding-DNA position 3487, one base duplicated (A; older notation c.3487dupA).
Protein change: p.Thr1163fs; shifts the reading frame from threonine 1163.
Molecular consequence: frameshift variant. On other transcripts: intron variant (135).
Genome position (GRCh38, 1-based): chr17:43,092,044, T duplicated on the plus strand (A on the coding strand, the reverse complement: BRCA1 is on the minus strand). VCF-style (leftmost placement, unchanged base first): chr17-43092043-G-GT. GRCh37 (hg19) VCF-style: chr17-41244060-G-GT.
Other names: c.3487dup, p.Thr1163fs (NM_001407582.1, NM_001407583.1, NM_001407585.1 and 30 more transcripts); c.3484dup, p.Thr1162fs (NM_001407587.1, NM_001407590.1, NM_001407591.1 and 22 more transcripts); c.3274dup, p.Thr1092fs (NM_001407571.1, NM_001407853.1, NM_001407894.1 and 9 more transcripts); c.788-1012dup (NM_001407973.1, NM_001408403.1, NM_001407983.1 and 17 more transcripts); c.404-1012dup (NM_001408511.1); c.647-1012dup (NM_001408457.1, NM_001408460.1, NM_001408454.1 and 11 more transcripts); c.521-1012dup (NM_001408505.1, NM_001408504.1, NM_001408503.1); c.461-1012dup (NM_001408507.1, NM_001408506.1); and 41 more; short protein forms T1116fs, T1163fs, T1035fs, T1075fs, T1096fs, T1115fs, T1121fs, T995fs.
Identifiers: ClinVar variation 3768922 (VCV003768922.2).
Genomic context (GRCh38, chr17:43,092,043, plus strand): 5'-TTCTGGACGCTTTTGCTAAAAACAGCAGAACTTTCCTTAATGTCATTTTCAGCAAAACTA[G>GT]TATCTTCCTTTATTTCACCATCATCTAACAGGTCATCAGGTGTCTCAGAACAAACCTGAG-3'